The following is an entry in ClinVar:

ClinVar aggregate classification (germline): Uncertain significance (1 of 4 stars; one submission).

Conditions:
Candidiasis, familial, 9 (CANDF9). Identifiers: Orphanet 1334, MedGen C4225324, MONDO:0014642, OMIM 616445.

Allele frequency attached by ClinVar (database versions not stated): gnomAD exomes 0.00001; TOPMed 0.00001.
gnomAD v4.1: 11 of 1,604,748 alleles (0.00069%); highest among the groups gnomAD compares: East Asian, 0.0022%; no homozygotes.

Submission:

Labcorp Genetics (formerly Invitae), Labcorp
Classification: Uncertain significance for Candidiasis, familial, 9. Last evaluated: 2022-10-04. Review status: criteria provided, single submitter. Criteria: Invitae Variant Classification Sherloc (09022015). Collection method: clinical testing. Allele origin: germline.
Comment: In summary, the available evidence is currently insufficient to determine the role of this variant in disease. Therefore, it has been classified as a Variant of Uncertain Significance. Algorithms developed to predict the effect of missense changes on protein structure and function are either unavailable or do not agree on the potential impact of this missense change (SIFT: "Deleterious"; PolyPhen-2: "Benign"; Align-GVGD: "Class C0"). This variant has not been reported in the literature in individuals affected with IL17RC-related conditions. The frequency data for this variant in the population databases is considered unreliable, as metrics indicate poor data quality at this position in the gnomAD database. This sequence change replaces proline, which is neutral and non-polar, with serine, which is neutral and polar, at codon 390 of the IL17RC protein (p.Pro390Ser).

NM_153460.4(IL17RC):c.955C>T (p.Pro319Ser)

Gene: IL17RC (interleukin 17 receptor C; plus strand). Cytogenetic location: 3p25.3.
Variant type: single nucleotide variant.
Coding change: c.955C>T on transcript NM_153460.4 (MANE Select); coding-DNA position 955, C replaced by T.
Protein change: p.Pro319Ser; replaces proline 319 with serine.
Molecular consequence: missense variant. On other transcripts: non-coding transcript variant (1).
Genome position (GRCh38, 1-based): chr3:9,928,382, C>T. VCF-style: chr3-9928382-C-T. GRCh37 (hg19) VCF-style: chr3-9970066-C-T.
Other names: c.955C>T, p.Pro319Ser (NM_001203263.2, NM_001203264.2); c.910C>T, p.Pro304Ser (NM_001203265.2, NM_001367280.1, NM_001410711.1 and 1 more transcripts); c.916C>T, p.Pro306Ser (NM_001367278.1); c.835C>T, p.Pro279Ser (NM_001367279.1); c.1168C>T, p.Pro390Ser (NM_153461.4); short protein forms P390S, P279S, P304S, P306S, P319S.
Identifiers: ClinVar variation 2000298 (VCV002000298.4), dbSNP rs1375959200, ClinGen allele CA351761659.